The following is an entry in ClinVar:

ClinVar aggregate classification (germline): Likely benign (0 of 4 stars; one submission).

Conditions:
RALGAPA1-related disorder. Also called: RALGAPA1-related condition.

gnomAD v4.1: 14 of 1,394,170 alleles (0.001%); highest among the groups gnomAD compares: African/African-American, 0.019%; no homozygotes.

Submission:

PreventionGenetics, part of Exact Sciences
Classification: Likely benign for RALGAPA1-related condition. Last evaluated: 2024-03-21. Review status: no assertion criteria provided. Collection method: clinical testing. Allele origin: germline.
Comment: This variant is classified as likely benign based on ACMG/AMP sequence variant interpretation guidelines (Richards et al. 2015 PMID: 25741868, with internal and published modifications).

NM_001346249.2(RALGAPA1):c.288A>G (p.Pro96=)

Gene: RALGAPA1 (Ral GTPase activating protein catalytic subunit alpha 1; minus strand). Cytogenetic location: 14q13.2.
Variant type: single nucleotide variant.
Coding change: c.288A>G on transcript NM_001346249.2 (MANE Select); coding-DNA position 288, A replaced by G.
Protein change: p.Pro96=; no amino-acid change (proline 96 retained).
Molecular consequence: synonymous variant.
Genome position (GRCh38, 1-based): chr14:35,770,979, T>C on the plus strand (A>G on the coding strand, the complement: RALGAPA1 is on the minus strand). VCF-style: chr14-35770979-T-C. GRCh37 (hg19) VCF-style: chr14-36240185-T-C.
Other names: c.288A>G, p.Pro96= (NM_001283043.3, NM_001283044.3, NM_001330075.3 and 7 more transcripts).
Identifiers: ClinVar variation 3357366 (VCV003357366.1).